The following is an entry in ClinVar:

NM_001292063.2(OTOG):c.8233G>A (p.Gly2745Ser)

Gene: OTOG (otogelin; plus strand). Cytogenetic location: 11p15.1.
Variant type: single nucleotide variant.
Coding change: c.8233G>A on transcript NM_001292063.2 (MANE Select); coding-DNA position 8233, G replaced by A.
Protein change: p.Gly2745Ser; replaces glycine 2745 with serine.
Molecular consequence: missense variant.
Genome position (GRCh38, 1-based): chr11:17,641,889, G>A. VCF-style: chr11-17641889-G-A. GRCh37 (hg19) VCF-style: chr11-17663436-G-A.
Other names: c.8269G>A, p.Gly2757Ser (NM_001277269.2); short protein forms G2745S, G2757S.
Identifiers: ClinVar variation 3903234 (VCV003903234.1).

ClinVar aggregate classification (germline): Uncertain significance (1 of 4 stars; one submission).

gnomAD v4.1: 35 of 1,550,168 alleles (0.0023%); highest among the groups gnomAD compares: African/African-American, 0.0082%; 1 homozygote.

Submission:

GeneDx
Classification: Uncertain significance. Last evaluated: 2024-12-10. Review status: criteria provided, single submitter. Criteria: GeneDx Variant Classification Process June 2021. Collection method: clinical testing. Allele origin: germline. Affected: yes.
Comment: Not observed at significant frequency in large population cohorts (gnomAD); In silico analysis supports that this missense variant has a deleterious effect on protein structure/function; Has not been previously published as pathogenic or benign to our knowledge